The following is an entry in ClinVar:

ClinVar aggregate classification (germline): Pathogenic (1 of 4 stars; one submission).

Submission:

ARUP Laboratories, Molecular Genetics and Genomics, ARUP Laboratories
Classification: Pathogenic. Last evaluated: 2019-10-27. Review status: criteria provided, single submitter. Criteria: ARUP Molecular Germline Variant Investigation Process. Collection method: clinical testing. Allele origin: germline.
Comment: The CFTR c.394_398delATTGT; p.Ile132fs variant, to our knowledge, is not reported in the medical literature or gene specific databases. This variant is also absent from general population databases (Exome Variant Server, Genome Aggregation Database), indicating it is not a common polymorphism. This variant causes a frameshift by deleting 5 nucleotides, so it is predicted to result in a truncated protein or mRNA subject to nonsense-mediated decay. Additionally, several downstream truncating variants have been reported in individuals affected with cystic fibrosis and are considered pathogenic (Castellani 2008, Lazarin 2013). Based on available information, this variant is considered to be pathogenic. References: Castellani C et al. Consensus on the use and interpretation of cystic fibrosis mutation analysis in clinical practice.J Cyst Fibros. 2008 May;7(3):179-96. Lazarin GA et al. An empirical estimate of carrier frequencies for 400+ causal Mendelian variants: results from an ethnically diverse clinical sample of 23,453 individuals. Genet Med. 2013 Mar;15(3):178-86.

NM_000492.4(CFTR):c.394_398del (p.Ile132fs)

Gene: CFTR (CF transmembrane conductance regulator; plus strand). Cytogenetic location: 7q31.2.
Variant type: Deletion.
Coding change: c.394_398del on transcript NM_000492.4 (MANE Select); coding-DNA positions 394 to 398, 5 bases deleted (ATTGT; older notation c.394_398delATTGT).
Protein change: p.Ile132fs; shifts the reading frame from isoleucine 132.
Molecular consequence: frameshift variant.
Genome position (GRCh38, 1-based): chr7:117,531,019-117,531,023, ATTGT deleted; deleting any 5 consecutive bases within chr7:117,531,018-117,531,023 gives the same sequence; the c. name uses the placement nearest the transcript's 3' end. VCF-style (leftmost placement, unchanged base first): chr7-117531017-TTATTG-T. GRCh37 (hg19) VCF-style: chr7-117171071-TTATTG-T.
Other names: short protein forms I132fs.
Identifiers: ClinVar variation 993898 (VCV000993898.8), dbSNP rs1798854245, ClinGen allele CA1139660221.